The following is an entry in ClinVar:

ClinVar aggregate classification (germline): Likely benign (0 of 4 stars; one submission).

Conditions:
DSCAM-related disorder. Also called: DSCAM-related condition.

Allele frequency attached by ClinVar (database versions not stated): gnomAD exomes below 0.00001.
gnomAD v4.1: 4 of 1,613,654 alleles (0.00025%); highest among the groups gnomAD compares: Non-Finnish European, 0.00034%; no homozygotes.

Submission:

PreventionGenetics, part of Exact Sciences
Classification: Likely benign for DSCAM-related condition. Last evaluated: 2019-07-10. Review status: no assertion criteria provided. Collection method: clinical testing. Allele origin: germline.
Comment: This variant is classified as likely benign based on ACMG/AMP sequence variant interpretation guidelines (Richards et al. 2015 PMID: 25741868, with internal and published modifications).

NM_001389.5(DSCAM):c.3939T>C (p.Pro1313=)

Gene: DSCAM (DS cell adhesion molecule; minus strand). Cytogenetic location: 21q22.2.
Variant type: single nucleotide variant.
Coding change: c.3939T>C on transcript NM_001389.5 (MANE Select); coding-DNA position 3939, T replaced by C.
Protein change: p.Pro1313=; no amino-acid change (proline 1313 retained).
Molecular consequence: synonymous variant. On other transcripts: non-coding transcript variant (1).
Genome position (GRCh38, 1-based): chr21:40,087,199, A>G on the plus strand (T>C on the coding strand, the complement: DSCAM is on the minus strand). VCF-style: chr21-40087199-A-G. GRCh37 (hg19) VCF-style: chr21-41459126-A-G.
Other names: c.3939T>C, p.Pro1313= (NM_001271534.3, NM_206887.1).
Identifiers: ClinVar variation 3049289 (VCV003049289.2), dbSNP rs2517009347, ClinGen allele CA512381899.